The following is an entry in ClinVar:

ClinVar aggregate classification (germline): Likely pathogenic. Review status: reviewed by expert panel (3 of 4 stars). 8 submissions from 8 submitters: Likely pathogenic (1). 7 of the submissions do not count toward it. Last evaluated 2026-07-20.

Conditions:
CEP290-related ciliopathy. Also called: CEP290 ciliopathy. Identifiers: MedGen CN305601, MONDO:0100451.
Meckel syndrome, type 4 (MKS4). Also called: MECKEL-GRUBER SYNDROME, TYPE 4. Identifiers: Orphanet 564, MedGen C1970161, MONDO:0012626, OMIM 611134.
Nephronophthisis. Also called: Juvenile Nephronophthisis. Identifiers: Orphanet 655, MedGen C0687120, MONDO:0019005, HP:0000090.
Meckel-Gruber syndrome. Also called: GRUBER SYNDROME; DYSENCEPHALIA SPLANCHNOCYSTICA; Dysencephalia splachnocystica. Identifiers: Orphanet 564, MedGen C0265215, MONDO:0018921.
Joubert syndrome. Also called: Familial aplasia of the vermis; JOUBERT-BOLTSHAUSER SYNDROME. Identifiers: Orphanet 475, MedGen C5979921, MONDO:0018772.
Leber congenital amaurosis (LCA). Also called: Leber's amaurosis. Identifiers: Orphanet 65, MedGen C0339527, MeSH D057130, MONDO:0018998.
Bardet-Biedl syndrome 14 (BBS14). Identifiers: Orphanet 110, MedGen C2673874, MONDO:0014442, OMIM 615991.
CEP290-related disorder. Also called: CEP290-related condition; CEP290-related disorders. Identifiers: MedGen CN239314.
Inborn genetic diseases. Identifiers: MedGen C0950123, MeSH D030342.

Allele frequency attached by ClinVar (database versions not stated): ExAC below 0.00001; gnomAD 0.00001; gnomAD exomes 0.00001 and 0.00002; TOPMed 0.00002.
gnomAD v4.1: 21 of 1,464,678 alleles (0.0014%); highest among the groups gnomAD compares: Non-Finnish European, 0.0018%; no homozygotes.

Submissions (8):

ClinGen Leber Congenital Amaurosis/early Onset Retinal Dystrophy Variant Curation Expert Panel, ClinGen
Classification: Likely pathogenic for CEP290-related ciliopathy. Last evaluated: 2026-07-20. Review status: reviewed by expert panel. Criteria: ClinGen LCAeoRD ACMG Specifications CEP290 V1.0.0. Collection method: curation. Allele origin: germline. Inheritance: Autosomal recessive inheritance.
Comment: NM_025114.4(CEP290):c.2414T>C (p.Leu805Pro) is a missense variant that replaces the leucine with proline at amino acid 805. This variant is present in gnomAD v4.1.1 at a total allele frequency of 0.0000143, with 21 alleles / 1,464,678 total alleles, which is lower than the ClinGen LCA/eoRD VCEP PM2_Supporting threshold of <0.0006 (PM2_Supporting). The computational predictor CADD gives a score of 26.5, which is above the ClinGen LCA/eoRD VCEP threshold of ≥25.3 and predicts a damaging effect on CEP290 protein function (PP3). This variant has been reported in at least 2 probands with early-onset severe retinal dystrophy who were compound heterozygous with either the NM_025114.4(CEP290):c.1666del (p.Ile556fs) variant or the NM_025114.4(CEP290):c.4452_4455del (p.Lys1484AsnfsTer4) variant confirmed in trans, which were previously classified pathogenic by the ClinGen LCA/eoRD VCEP (2 total points, PM3_Strong). At least one proband harboring this variant exhibits a phenotype including diagnosis of cone-rod dystrophy (0.5 pts) with onset at birth (0.5 pts), frequent rubbing of the eyes (0.5 pts), glare sensitivity (0.5 pts), poor visual acuity (0.5 pts), visual field constriction (0.5 pts), normal scotopic but absent photopic electroretinogram responses, and a color vision disorder, with genotyping by whole genome sequencing and inherited retinal disease gene panel that did not identify an alternative basis for retinal disease (4 pts), which together are specific for CEP290-related ciliopathy (total 7 points, PMID: 37642804, PP4). The variant has also been reported to segregate with childhood-onset severe retinal dystrophy through the proband plus 1 similarly affected relative, with the variant present in the compound heterozygous state (PMID: 28559085, PP1). In summary, this variant meets the criteria to be classified as Likely Pathogenic for CEP290-related ciliopathy based on the ACMG/AMP criteria applied, as specified by the ClinGen LCA/eoRD VCEP: PM2_Supporting, PP3, PM3_Strong, PP4, and PP1. (LCA/eoRD VCEP Specifications for CEP290 Version 1.0.0)

PreventionGenetics, part of Exact Sciences
Classification: Likely pathogenic for CEP290-related condition. Last evaluated: 2025-11-18. Review status: criteria provided, single submitter. Criteria: ACMG Guidelines, 2015. Collection method: clinical testing. Allele origin: germline. Not counted in ClinVar's aggregate classification.
Comment: The CEP290 c.2414T>C variant is predicted to result in the amino acid substitution p.Leu805Pro. This variant has been reported in with a second CEP290 variant in individuals with CEP290-related disorders and segregated with disease in one family (see, for example, Stone et al. 2017. PubMed ID: 28559085; Tavakoli et al. 2020. PubMed ID: 37008293; Binder et al. 2023. PubMed ID: 37642804). This variant is reported in 0.0013% of alleles in individuals of European (non-Finnish) descent in gnomAD. This variant is interpreted as likely pathogenic.

Natera, Inc.
Classification: Likely pathogenic for Leber congenital amaurosis. Last evaluated: 2025-05-15. Review status: criteria provided, single submitter. Criteria: Natera Variant Classification Schema (03/2026). Collection method: clinical testing. Allele origin: germline. Not counted in ClinVar's aggregate classification.
Comment: The c.2414T>C variant in CEP290 is a missense variant predicted to cause substitution of leucine to proline at amino acid 805. This variant is rare in the general population with a frequency below the threshold expected for the associated phenotype(s). This variant has been observed in one or more individuals affected with the associated recessive disease, as either homozygous or compound heterozygous with a second variant (PMID: 37642804, 37008293, 28559085). Computational prediction algorithms indicate this variant is likely to affect gene or protein function. Given the available evidence, this variant is classified as Likely Pathogenic.

Labcorp Genetics (formerly Invitae), Labcorp
Classification: Pathogenic for Joubert syndrome; Meckel-Gruber syndrome; Nephronophthisis. Last evaluated: 2025-04-22. Review status: criteria provided, single submitter. Criteria: Invitae Variant Classification Sherloc (09022015). Collection method: clinical testing. Allele origin: germline. Not counted in ClinVar's aggregate classification.
Comment: This sequence change replaces leucine, which is neutral and non-polar, with proline, which is neutral and non-polar, at codon 805 of the CEP290 protein (p.Leu805Pro). This variant is present in population databases (rs762633090, gnomAD 0.001%). This missense change has been observed in individual(s) with CEP290-related conditions (PMID: 28559085, 30897646, 36460718, 37008293; internal data). In at least one individual the data is consistent with being in trans (on the opposite chromosome) from a pathogenic variant. It has also been observed to segregate with disease in related individuals. ClinVar contains an entry for this variant (Variation ID: 866922). Invitae Evidence Modeling of protein sequence and biophysical properties (such as structural, functional, and spatial information, amino acid conservation, physicochemical variation, residue mobility, and thermodynamic stability) indicates that this missense variant is not expected to disrupt CEP290 protein function with a negative predictive value of 80%. For these reasons, this variant has been classified as Pathogenic.

Ambry Genetics
Classification: Likely pathogenic for Inborn genetic diseases. Last evaluated: 2025-04-02. Review status: criteria provided, single submitter. Criteria: Ambry Variant Classification Scheme 2023. Collection method: clinical testing. Allele origin: germline. Not counted in ClinVar's aggregate classification.
Comment: The c.2414T>C (p.L805P) alteration is located in exon 23 (coding exon 22) of the CEP290 gene. This alteration results from a T to C substitution at nucleotide position 2414, causing the leucine (L) at amino acid position 805 to be replaced by a proline (P). Based on data from gnomAD, the C allele has an overall frequency of 0.001% (1/155032) total alleles studied. The highest observed frequency was 0.001% (1/74420) of European (non-Finnish) alleles. This variant has been identified in the homozygous state and/or in conjunction with other CEP290 variants in individuals with features consistent with Leber congenital amaurosis; in at least one instance, the variants were identified in trans (Stone, 2017; Tavakoli, 2020; Binder, 2023). This amino acid position is well conserved in available vertebrate species. The in silico prediction for this alteration is inconclusive. Based on the available evidence, this alteration is classified as likely pathogenic.

Women's Health and Genetics/Laboratory Corporation of America, LabCorp
Classification: Pathogenic for Meckel syndrome, type 4. Last evaluated: 2025-03-14. Review status: criteria provided, single submitter. Criteria: LabCorp Variant Classification Summary - May 2015. Collection method: clinical testing. Allele origin: germline. Not counted in ClinVar's aggregate classification.
Comment: Variant summary: CEP290 c.2414T>C (p.Leu805Pro) results in a non-conservative amino acid change in the encoded protein sequence. Four of five in-silico tools predict a damaging effect of the variant on protein function. The variant allele was found at a frequency of 6.5e-06 in 155032 control chromosomes. c.2414T>C has been reported in the literature in multiple compound heterozygous individuals affected with CEP290-related conditions (Stone_2017, Preising_2019, Tavakoli_2020, Karali_2022, Weisschuh_2024, Invitae). These data indicate that the variant is likely to be associated with disease. To our knowledge, no experimental evidence demonstrating an impact on protein function has been reported. The following publications have been ascertained in the context of this evaluation (PMID: 28559085, 35836572, 30897646, 37008293, 37734845, Invitae). ClinVar contains an entry for this variant (Variation ID: 866922). Based on the evidence outlined above, the variant was classified as pathogenic.

Blueprint Genetics
Classification: Pathogenic for CEP290-related disorders. Last evaluated: 2024-10-11. Review status: criteria provided, single submitter. Criteria: ACMG Guidelines, 2015. Collection method: clinical testing. Allele origin: germline. Affected: yes. Observed: 5 variant alleles. Not counted in ClinVar's aggregate classification.

Baylor Genetics
Classification: Likely pathogenic for Bardet-Biedl syndrome 14. Last evaluated: 2023-11-12. Review status: criteria provided, single submitter. Criteria: ACMG Guidelines, 2015. Collection method: clinical testing. Allele origin: unknown. Not counted in ClinVar's aggregate classification.

Literature cited by the submitters: PubMed 37642804 (cited by Natera, Inc. and Ambry Genetics); PubMed 37008293 (cited by 4 submitters); PubMed 28559085 (cited by 4 submitters); PubMed 30897646 (cited by Labcorp Genetics (formerly Invitae), Labcorp and Women's Health and Genetics/Laboratory Corporation of America, LabCorp); PubMed 36460718 (cited by Labcorp Genetics (formerly Invitae), Labcorp); PubMed 35836572 (cited by Women's Health and Genetics/Laboratory Corporation of America, LabCorp); PubMed 37734845 (cited by Women's Health and Genetics/Laboratory Corporation of America, LabCorp).

NM_025114.4(CEP290):c.2414T>C (p.Leu805Pro)

Gene: CEP290 (centrosomal protein 290; minus strand). Cytogenetic location: 12q21.32.
Variant type: single nucleotide variant.
Coding change: c.2414T>C on transcript NM_025114.4 (MANE Select); coding-DNA position 2414, T replaced by C.
Protein change: p.Leu805Pro; replaces leucine 805 with proline.
Molecular consequence: missense variant.
Genome position (GRCh38, 1-based): chr12:88,109,135, A>G on the plus strand (T>C on the coding strand, the complement: CEP290 is on the minus strand). VCF-style: chr12-88109135-A-G. GRCh37 (hg19) VCF-style: chr12-88502912-A-G.
Other names: NM_025114.4(CEP290):c.2414T>C; p.Leu805Pro; short protein forms L805P.
Identifiers: ClinVar variation 866922 (VCV000866922.18), dbSNP rs762633090, ClinGen allele CA6712335.
Genomic context (GRCh38, chr12:88,109,135, plus strand): 5'-TCTTTATACAACAAACTTTGTTGATGACGAATTACAGCAAATTTTCTGTTGTAATCTTCA[A>G]GAGAATCTTCTAAATTCTTTAACTTTTTTTCTTTATTTTCTAGTTCCTGAAAAGTGGTTT-3'
Protein context (NP_079390.3, residues 795-815): EKKLKNLEDS[Leu805Pro]EDYNRKFAVI